The following is an entry in ClinVar:

ClinVar aggregate classification (germline): Pathogenic (1 of 4 stars; one submission).

Conditions:
Tumor predisposition syndrome 3 (TPDS3). Also called: Melanoma, cutaneous malignant, susceptibility to, 10; Glioma susceptibility 9; LONG TELOMERE SYNDROME, POT1-RELATED; POT1 Tumor Predisposition. Identifiers: Orphanet 618, MedGen C4014476, MONDO:0014368, OMIM 615848.

Submission:

Labcorp Genetics (formerly Invitae), Labcorp
Classification: Pathogenic for Tumor predisposition syndrome 3. Last evaluated: 2021-08-17. Review status: criteria provided, single submitter. Criteria: Invitae Variant Classification Sherloc (09022015). Collection method: clinical testing. Allele origin: germline.
Comment: A gross deletion of the genomic region encompassing the full coding sequence of the POT1 gene has been identified. Loss-of-function variants in POT1 are known to be pathogenic (PMID: 32155570). The boundaries of this event are unknown as they extend beyond the assayed region for this gene and therefore may encompass additional genes. This variant has not been reported in the literature in individuals affected with POT1-related conditions. For these reasons, this variant has been classified as Pathogenic.

Literature cited by the submitters: PubMed 32155570.

NC_000007.14:g.(?_124823952)_(124897183_?)del

Gene: POT1 (protection of telomeres 1; minus strand). Cytogenetic location: 7q31.33.
Variant type: Deletion.
Identifiers: ClinVar variation 662854 (VCV000662854.3).